The following is an entry in ClinVar:

ClinVar aggregate classification (germline): Pathogenic/Likely pathogenic. Review status: criteria provided, multiple submitters, no conflicts (2 of 4 stars). 2 submissions from 2 submitters: Pathogenic (1); Likely pathogenic (1). Last evaluated 2026-01-06.

Conditions:
LAMA2-related muscular dystrophy (LAMA2-RD). Also called: Laminin alpha 2-related dystrophy. Identifiers: MedGen C5679788, MONDO:0100228.
Inborn genetic diseases. Identifiers: MedGen C0950123, MeSH D030342.

Submissions (2):

Labcorp Genetics (formerly Invitae), Labcorp
Classification: Pathogenic for LAMA2-related muscular dystrophy. Last evaluated: 2026-01-06. Review status: criteria provided, single submitter. Criteria: Invitae Variant Classification Sherloc (09022015). Collection method: clinical testing. Allele origin: germline.
Comment: This sequence change affects a donor splice site in intron 43 of the LAMA2 gene. It is expected to disrupt RNA splicing. Variants that disrupt the donor or acceptor splice site typically lead to a loss of protein function (PMID: 16199547), and loss-of-function variants in LAMA2 are known to be pathogenic (PMID: 18700894, 32904964). This variant is not present in population databases (gnomAD no frequency). Disruption of this splice site has been observed in individuals with congenital muscular dystrophy (PMID: 24611677; internal data). ClinVar contains an entry for this variant (Variation ID: 477498). Algorithms developed to predict the effect of sequence changes on RNA splicing suggest that this variant may disrupt the consensus splice site. For these reasons, this variant has been classified as Pathogenic.

Ambry Genetics
Classification: Likely pathogenic for Inborn genetic diseases. Last evaluated: 2024-08-29. Review status: criteria provided, single submitter. Criteria: Ambry Variant Classification Scheme 2023. Collection method: clinical testing. Allele origin: germline.
Comment: The c.6268+2T>C intronic alteration consists of a T to C substitution two nucleotides after exon 43 of the LAMA2 gene. Alterations that disrupt the canonical splice site are expected to cause aberrant splicing, resulting in an abnormal protein or a transcript that is subject to nonsense-mediated mRNA decay. This variant was not reported in population-based cohorts in the Genome Aggregation Database (gnomAD). This alteration was detected in the compound heterozygous state, with another alteration in LAMA2, in an individual with LAMA2-related muscular dystrophy (Xiong, 2015). This nucleotide position is highly conserved in available vertebrate species. In silico splice site analysis predicts that this alteration will weaken the native splice donor site. Based on the available evidence, this alteration is classified as likely pathogenic.

Literature cited by the submitters: PubMed 16199547 (cited by Labcorp Genetics (formerly Invitae), Labcorp); PubMed 18700894 (cited by Labcorp Genetics (formerly Invitae), Labcorp); PubMed 32904964 (cited by Labcorp Genetics (formerly Invitae), Labcorp); PubMed 24611677 (cited by Labcorp Genetics (formerly Invitae), Labcorp and Ambry Genetics).

NM_000426.4(LAMA2):c.6268+2T>C

Genes: LAMA2 (laminin subunit alpha 2; plus strand), LOC123864065 (Sharpr-MPRA regulatory region 661; plus strand). Cytogenetic location: 6q22.33.
Variant type: single nucleotide variant.
Coding change: c.6268+2T>C on transcript NM_000426.4 (MANE Select); the canonical splice donor site of the intron after coding-DNA position 6268, T replaced by C.
Molecular consequence: splice donor variant.
Genome position (GRCh38, 1-based): chr6:129,441,000, T>C. VCF-style: chr6-129441000-T-C. GRCh37 (hg19) VCF-style: chr6-129762145-T-C.
Other names: c.6268+2T>C (NM_001079823.2).
Identifiers: ClinVar variation 477498 (VCV000477498.12), dbSNP rs1554297727, ClinGen allele CA365629811.